The following is an entry in ClinVar:

ClinVar aggregate classification (germline): Uncertain significance (1 of 4 stars; one submission).

Conditions:
Hereditary cancer-predisposing syndrome. Also called: Neoplastic Syndromes, Hereditary; Tumor predisposition; Hereditary neoplastic syndrome; Hereditary Cancer Syndrome. Identifiers: Orphanet 140162, MedGen C0027672, MeSH D009386, MONDO:0015356.

Submission:

Ambry Genetics
Classification: Uncertain significance for Hereditary cancer-predisposing syndrome. Last evaluated: 2023-10-05. Review status: criteria provided, single submitter. Criteria: Ambry Variant Classification Scheme 2023. Collection method: clinical testing. Allele origin: germline.
Comment: The p.S1505N variant (also known as c.4514G>A), located in coding exon 15 of the APC gene, results from a G to A substitution at nucleotide position 4514. The serine at codon 1505 is replaced by asparagine, an amino acid with highly similar properties. This amino acid position is conserved. In addition, in silico predictors for this gene do not accurately predict pathogenicity. Since supporting evidence is limited at this time, the clinical significance of this alteration remains unclear.

NM_000038.6(APC):c.4514G>A (p.Ser1505Asn)

Gene: APC (APC regulator of Wnt signaling pathway; plus strand). Cytogenetic location: 5q22.2.
Variant type: single nucleotide variant.
Coding change: c.4514G>A on transcript NM_000038.6 (MANE Select); coding-DNA position 4514, G replaced by A.
Protein change: p.Ser1505Asn; replaces serine 1505 with asparagine.
Molecular consequence: missense variant. On other transcripts: non-coding transcript variant (2).
Genome position (GRCh38, 1-based): chr5:112,840,108, G>A. VCF-style: chr5-112840108-G-A. GRCh37 (hg19) VCF-style: chr5-112175805-G-A.
Other names: c.4211G>A, p.Ser1404Asn (NM_001407460.1, NM_001354903.2, NM_001407458.1 and 1 more transcripts); c.4127G>A, p.Ser1376Asn (NM_001407467.1, NM_001407469.1); c.3665G>A, p.Ser1222Asn (NM_001407470.1, NM_001354906.2); c.3362G>A, p.Ser1121Asn (NM_001407471.1, NM_001407472.1); c.4514G>A, p.Ser1505Asn (NM_001127510.3, NM_001354895.2, NM_001407450.1); c.4460G>A, p.Ser1487Asn (NM_001127511.3); c.4568G>A, p.Ser1523Asn (NM_001354896.2, NM_001407447.1, NM_001407448.1 and 1 more transcripts); c.4544G>A, p.Ser1515Asn (NM_001354897.2); and 11 more; short protein forms S1121N, S1222N, S1345N, S1376N, S1379N, S1404N, S1414N, S1422N.
Identifiers: ClinVar variation 3230518 (VCV003230518.1), dbSNP rs1489528719, ClinGen allele CA16031208.
Genomic context (GRCh38, chr5:112,840,108, plus strand): 5'-CTGATACTTTATTACATTTTGCCACGGAAAGTACTCCAGATGGATTTTCTTGTTCATCCA[G>A]CCTGAGTGCTCTGAGCCTCGATGAGCCATTTATACAGAAAGATGTGGAATTAAGAATAAT-3'
Protein context (NP_000029.2, residues 1495-1515): STPDGFSCSS[Ser1505Asn]LSALSLDEPF